The following is an entry in ClinVar:

NM_000489.6(ATRX):c.3924A>T (p.Glu1308Asp)

Gene: ATRX (ATRX chromatin remodeler; minus strand). Cytogenetic location: Xq21.1.
Variant type: single nucleotide variant.
Coding change: c.3924A>T on transcript NM_000489.6 (MANE Select); coding-DNA position 3924, A replaced by T.
Protein change: p.Glu1308Asp; replaces glutamic acid 1308 with aspartic acid.
Molecular consequence: missense variant.
Genome position (GRCh38, 1-based): chrX:77,664,664, T>A on the plus strand (A>T on the coding strand, the complement: ATRX is on the minus strand). VCF-style: chrX-77664664-T-A. GRCh37 (hg19) VCF-style: chrX-76920153-T-A.
Other names: c.3810A>T, p.Glu1270Asp (NM_138270.5); short protein forms E1270D, E1308D.
Identifiers: ClinVar variation 977449 (VCV000977449.3), dbSNP rs2070136349, ClinGen allele CA413699910.

ClinVar aggregate classification (germline): Uncertain significance (1 of 4 stars; one submission).

Conditions:
Alpha thalassemia-X-linked intellectual disability syndrome (ATRX). Also called: ALPHA-THALASSEMIA/MENTAL RETARDATION SYNDROME, X-LINKED; ATR, NONDELETION TYPE; ATR-X syndrome; Alpha thalassemia mental retardation syndrome, nondeletion type, X-linked; XLMR hypotonic face syndrome; X-linked alpha-thalassemia-mental retardation syndrome. Identifiers: Orphanet 847, MedGen C1845055, MONDO:0010519, OMIM 301040.

Submission:

New York Genome Center
Classification: Uncertain significance for Alpha thalassemia-X-linked intellectual disability syndrome. Last evaluated: 2022-01-07. Review status: criteria provided, single submitter. Criteria: NYGC Assertion Criteria 2020. Collection method: clinical testing. Allele origin: inherited. Observed: 1 hemizygote. Study: CSER-NYCKidSeq.
Comment: The c.3924A>T (p.Glu1308Asp)variant in the ATRX gene substitutes a well conserved Glutamic Acid for Aspartic Acid at amino acid 1308/2493 (coding exon 11/35) of the canonical transcript.This variant is absent from gnomAD suggesting it is not a common benign variant in the populations represented in that database. In silico algorithms do not predict this variant to have an deleterious effect on function, as it is predicted both Neutral (Provean; score:-0.40) and Tolerated (SIFT; score:0.163 ) to the function of the canonical transcript. This variant is absent from ClinVar and to our current knowledge has not been reported in affected individuals in the literature. The p.Glu1308 residueis within the DAXX binding domain of the protein, which is essential for the binding of the death-domain associated protein (DAXX) and proper chromatin remodeling, however this region is not enriched for pathogenic variants identified in affected patients. Given the lack of compelling evidence for its pathogenicity, this maternally inherited hemizygous c.3924A>T (p.Glu1308Asp) variant is reported here as a Variantof Uncertain Significance.